The following is an entry in ClinVar:

ClinVar aggregate classification (germline): Uncertain significance (1 of 4 stars; one submission).

Conditions:
Familial adenomatous polyposis 1 (FAP1). Also called: FAMILIAL ADENOMATOUS POLYPOSIS 1, ATTENUATED; POLYPOSIS, ADENOMATOUS INTESTINAL. Identifiers: MedGen C2713442, MONDO:0021056, OMIM 175100. Disease mechanism: loss of function.

Submission:

Labcorp Genetics (formerly Invitae), Labcorp
Classification: Uncertain significance for Familial adenomatous polyposis 1. Last evaluated: 2023-11-14. Review status: criteria provided, single submitter. Criteria: Invitae Variant Classification Sherloc (09022015). Collection method: clinical testing. Allele origin: germline.
Comment: This sequence change replaces tyrosine, which is neutral and polar, with cysteine, which is neutral and slightly polar, at codon 6 of the APC protein (p.Tyr6Cys). This variant is not present in population databases (gnomAD no frequency). This variant has not been reported in the literature in individuals affected with APC-related conditions. Advanced modeling of protein sequence and biophysical properties (such as structural, functional, and spatial information, amino acid conservation, physicochemical variation, residue mobility, and thermodynamic stability) performed at Invitae indicates that this missense variant is not expected to disrupt APC protein function with a negative predictive value of 95%. In summary, the available evidence is currently insufficient to determine the role of this variant in disease. Therefore, it has been classified as a Variant of Uncertain Significance.

NM_000038.6(APC):c.17A>G (p.Tyr6Cys)

Gene: APC (APC regulator of Wnt signaling pathway; plus strand). Cytogenetic location: 5q22.2.
Variant type: single nucleotide variant.
Coding change: c.17A>G on transcript NM_000038.6 (MANE Select); coding-DNA position 17, A replaced by G.
Protein change: p.Tyr6Cys; replaces tyrosine 6 with cysteine.
Molecular consequence: missense variant. On other transcripts: 5 prime UTR variant (4), intron variant (11), non-coding transcript variant (2).
Genome position (GRCh38, 1-based): chr5:112,754,907, A>G. VCF-style: chr5-112754907-A-G. GRCh37 (hg19) VCF-style: chr5-112090604-A-G.
Other names: c.17A>G, p.Tyr6Cys (NM_001127510.3, NM_001354895.2, NM_001354896.2 and 16 more transcripts); c.-1019A>G (NM_001354906.2, NM_001407470.1, NM_001407471.1 and 1 more transcripts); c.-42-11419A>G (NM_001354901.2, NM_001354905.2, NM_001407453.1 and 1 more transcripts); c.166-11419A>G (NM_001407446.1, NM_001354897.2, NM_001354902.2 and 1 more transcripts); c.61-11419A>G (NM_001407451.1, NM_001354898.2, NM_001354904.2); short protein forms Y6C.
Identifiers: ClinVar variation 2739084 (VCV002739084.3), dbSNP rs1754781754, ClinGen allele CA16021369.